The following is an entry in ClinVar:

ClinVar aggregate classification (germline): Pathogenic (1 of 4 stars; one submission).

Conditions:
Autosomal recessive limb-girdle muscular dystrophy type 2A (LGMDR1). Also called: LEYDEN-MOEBIUS MUSCULAR DYSTROPHY; MUSCULAR DYSTROPHY, PELVOFEMORAL; Limb-girdle muscular dystrophy, type 2A; Calpainopathy; Muscular dystrophy, limb-girdle, type 2A, Amish. Identifiers: Orphanet 267, MedGen C1869123, MONDO:0009675, OMIM 253600. Disease mechanism: loss of function.

Submission:

Labcorp Genetics (formerly Invitae), Labcorp
Classification: Pathogenic for Autosomal recessive limb-girdle muscular dystrophy type 2A. Last evaluated: 2022-06-20. Review status: criteria provided, single submitter. Criteria: Invitae Variant Classification Sherloc (09022015). Collection method: clinical testing. Allele origin: germline.
Comment: Algorithms developed to predict the effect of sequence changes on RNA splicing suggest that this variant may disrupt the consensus splice site. ClinVar contains an entry for this variant (Variation ID: 1071203). This premature translational stop signal has been observed in individual(s) with limb-girdle muscular dystrophy (PMID: 23597518). For these reasons, this variant has been classified as Pathogenic. This variant is not present in population databases (gnomAD no frequency). This sequence change creates a premature translational stop signal (p.Lys683Thrfs*4) in the CAPN3 gene. It is expected to result in an absent or disrupted protein product. Loss-of-function variants in CAPN3 are known to be pathogenic (PMID: 10330340, 15689361).

Literature cited by the submitters: PubMed 23597518; PubMed 10330340; PubMed 15689361.

NM_000070.3(CAPN3):c.2048_2051del (p.Lys683fs)

Gene: CAPN3 (calpain 3; plus strand). Cytogenetic location: 15q15.1.
Variant type: Deletion.
Coding change: c.2048_2051del on transcript NM_000070.3 (MANE Select); coding-DNA positions 2048 to 2051, 4 bases deleted (AAAC; older notation c.2048_2051delAAAC).
Protein change: p.Lys683fs; shifts the reading frame from lysine 683.
Molecular consequence: frameshift variant.
Genome position (GRCh38, 1-based): chr15:42,409,841-42,409,844, AAAC deleted; deleting any 4 consecutive bases within chr15:42,409,838-42,409,844 gives the same sequence; the c. name uses the placement nearest the transcript's 3' end. VCF-style (leftmost placement, unchanged base first): chr15-42409837-GAACA-G. GRCh37 (hg19) VCF-style: chr15-42702035-GAACA-G.
Other names: c.2030_2033del, p.Lys677fs (NM_024344.2); c.1772_1775del, p.Lys591fs (NM_173087.2); c.512_515del, p.Lys171fs (NM_173088.2); c.53_56del, p.Lys18fs (NM_173089.2, NM_173090.2); short protein forms K171fs, K18fs, K591fs, K677fs, K683fs.
Identifiers: ClinVar variation 1071203 (VCV001071203.9), dbSNP rs2054150380, ClinGen allele CA2172720334.
Genomic context (GRCh38, chr15:42,409,837, plus strand): 5'-TCCTCCTCAGGACATGGAGATCTGTGCAGATGAGCTCAAGAAGGTCCTTAACACAGTCGT[GAACA>G]AACGTGAGTTGCTCAAACCAAATGGGGGTGGGGTGGGTGGGGAGTCCCGTTGTCTCAAAG-3'